The following is an entry in ClinVar:

ClinVar aggregate classification (germline): Uncertain significance (0 of 4 stars; one submission).

Conditions:
ASTN2-related disorder. Also called: ASTN2-related condition.

gnomAD v4.1: 3 of 1,611,950 alleles (0.00019%); highest among the groups gnomAD compares: Non-Finnish European, 0.00025%; no homozygotes.

Submission:

PreventionGenetics, part of Exact Sciences
Classification: Uncertain significance for ASTN2-related condition. Last evaluated: 2024-07-09. Review status: no assertion criteria provided. Collection method: clinical testing. Allele origin: germline.
Comment: The ASTN2 c.1526C>T variant is predicted to result in the amino acid substitution p.Pro509Leu. To our knowledge, this variant has not been reported in the literature. This variant is reported in 0.00088% of alleles in individuals of European (Non-Finnish) descent in gnomAD. At this time, the clinical significance of this variant is uncertain due to the absence of conclusive functional and genetic evidence.

NM_001365068.1(ASTN2):c.1679C>T (p.Pro560Leu)

Gene: ASTN2 (astrotactin 2; minus strand). Cytogenetic location: 9q33.1.
Variant type: single nucleotide variant.
Coding change: c.1679C>T on transcript NM_001365068.1 (MANE Select); coding-DNA position 1679, C replaced by T.
Protein change: p.Pro560Leu; replaces proline 560 with leucine.
Molecular consequence: missense variant.
Genome position (GRCh38, 1-based): chr9:116,976,186, G>A on the plus strand (C>T on the coding strand, the complement: ASTN2 is on the minus strand). VCF-style: chr9-116976186-G-A. GRCh37 (hg19) VCF-style: chr9-119738465-G-A.
Other names: c.1679C>T, p.Pro560Leu (NM_001365069.1); c.1526C>T, p.Pro509Leu (NM_014010.5); short protein forms P509L, P560L.
Identifiers: ClinVar variation 3347761 (VCV003347761.1).